The following is an entry in ClinVar:

ClinVar aggregate classification (germline): Uncertain significance (1 of 4 stars; one submission).

Conditions:
Myofibrillar myopathy 5. Also called: Filaminopathy (type); FILAMINOPATHY, AUTOSOMAL DOMINANT. Identifiers: Orphanet 171445, MedGen C1836050, MONDO:0012289, OMIM 609524.
Distal myopathy with posterior leg and anterior hand involvement. Also called: WILLIAMS DISTAL MYOPATHY. Identifiers: Orphanet 63273, MedGen C3279722, MONDO:0013550, OMIM 614065.
Hypertrophic cardiomyopathy 26. Also called: Cardiomyopathy, familial hypertrophic, 26. Identifiers: Orphanet 75249, MedGen C4310749, MONDO:0014883, OMIM 617047.

Submission:

Labcorp Genetics (formerly Invitae), Labcorp
Classification: Uncertain significance for Distal myopathy with posterior leg and anterior hand involvement; Myofibrillar myopathy 5; Hypertrophic cardiomyopathy 26. Last evaluated: 2024-05-09. Review status: criteria provided, single submitter. Criteria: Invitae Variant Classification Sherloc (09022015). Collection method: clinical testing. Allele origin: germline.
Comment: This sequence change replaces isoleucine, which is neutral and non-polar, with threonine, which is neutral and polar, at codon 549 of the FLNC protein (p.Ile549Thr). This variant is not present in population databases (gnomAD no frequency). This variant has not been reported in the literature in individuals affected with FLNC-related conditions. Advanced modeling of protein sequence and biophysical properties (such as structural, functional, and spatial information, amino acid conservation, physicochemical variation, residue mobility, and thermodynamic stability) has been performed at Invitae for this missense variant, however the output from this modeling did not meet the statistical confidence thresholds required to predict the impact of this variant on FLNC protein function. In summary, the available evidence is currently insufficient to determine the role of this variant in disease. Therefore, it has been classified as a Variant of Uncertain Significance.

NM_001458.5(FLNC):c.1646T>C (p.Ile549Thr)

Gene: FLNC (filamin C; plus strand). Cytogenetic location: 7q32.1.
Variant type: single nucleotide variant.
Coding change: c.1646T>C on transcript NM_001458.5 (MANE Select); coding-DNA position 1646, T replaced by C.
Protein change: p.Ile549Thr; replaces isoleucine 549 with threonine.
Molecular consequence: missense variant.
Genome position (GRCh38, 1-based): chr7:128,840,644, T>C. VCF-style: chr7-128840644-T-C. GRCh37 (hg19) VCF-style: chr7-128480698-T-C.
Other names: c.1646T>C, p.Ile549Thr (NM_001127487.2); short protein forms I549T.
Identifiers: ClinVar variation 2951238 (VCV002951238.3), dbSNP rs2536626536, ClinGen allele CA369226755.